The following is an entry in ClinVar:

ClinVar aggregate classification (germline): Benign. Review status: criteria provided, multiple submitters, no conflicts (2 of 4 stars). 4 submissions from 3 submitters: Benign (4). Last evaluated 2021-07-22.

Conditions:
Congenital myotonia, autosomal dominant form (THD). Also called: THOMSEN DISEASE; Myotonia congenita autosomal dominant. Identifiers: Orphanet 614, MedGen C2936781, MONDO:0008055, OMIM 160800.
Congenital myotonia, autosomal recessive form. Also called: BECKER DISEASE; Becker Generalized Myotonia; myotonia congenita, autosomal recessive. Identifiers: Orphanet 614, MedGen C0751360, MONDO:0009715, OMIM 255700.

Allele frequency attached by ClinVar (database versions not stated): gnomAD 0.63143 and 0.63262; TOPMed 0.63766; 1000 Genomes Project 0.64177; 1000 Genomes Project 30x 0.64710.
gnomAD v4.1: 734,507 of 1,104,938 alleles (66%); highest among the groups gnomAD compares: East Asian, 82%; 246,825 homozygotes.

Submissions (4):

Genome-Nilou Lab
Classification: Benign for Congenital myotonia, autosomal dominant form. Last evaluated: 2021-07-22. Review status: criteria provided, single submitter. Criteria: ACMG Guidelines, 2015. Collection method: clinical testing. Allele origin: germline. Affected: no.

Genome-Nilou Lab
Classification: Benign for Congenital myotonia, autosomal recessive form. Last evaluated: 2021-07-22. Review status: criteria provided, single submitter. Criteria: ACMG Guidelines, 2015. Collection method: clinical testing. Allele origin: germline. Affected: no.

GeneDx
Classification: Benign. Last evaluated: 2018-06-14. Review status: criteria provided, single submitter. Criteria: GeneDx Variant Classification (06012015). Collection method: clinical testing. Allele origin: germline. Affected: yes.
Comment: This variant is considered likely benign or benign based on one or more of the following criteria: it is a conservative change, it occurs at a poorly conserved position in the protein, it is predicted to be benign by multiple in silico algorithms, and/or has population frequency not consistent with disease.

Breakthrough Genomics
Classification: Benign. Review status: criteria provided, single submitter. Criteria: ACMG Guidelines, 2015. Collection method: not provided. Allele origin: germline. Inheritance: Autosomal recessive inheritance. Affected: yes.

NM_000083.3(CLCN1):c.1065-108G>A

Gene: CLCN1 (chloride voltage-gated channel 1; plus strand). Cytogenetic location: 7q34.
Variant type: single nucleotide variant.
Coding change: c.1065-108G>A on transcript NM_000083.3 (MANE Select); 108 bases into the intron before coding-DNA position 1065, G replaced by A.
Molecular consequence: intron variant.
Genome position (GRCh38, 1-based): chr7:143,331,443, G>A. VCF-style: chr7-143331443-G-A. GRCh37 (hg19) VCF-style: chr7-143028536-G-A.
Identifiers: ClinVar variation 679909 (VCV000679909.5), dbSNP rs2242493, ClinGen allele CA12599821.